The following is an entry in ClinVar:

NM_005654.6(NR2F1):c.92GCG[4] (p.Gly35_Gly36del)

Genes: NR2F1 (nuclear receptor subfamily 2 group F member 1; plus strand), NR2F1-AS1 (NR2F1 regulatory antisense RNA 1; minus strand). Cytogenetic location: 5q15.
Variant type: Microsatellite.
Coding change: c.92GCG[4] on transcript NM_005654.6 (MANE Select); four copies in a row of the 3-base unit GCG starting at c.92; the reference has six copies in a row; two copies, 6 bases deleted; also written c.104_109del.
Protein change: p.Gly35_Gly36del.
Molecular consequence: inframe deletion.
Genome position (GRCh38, 1-based): chr5:93,585,127-93,585,132, GCGGCG deleted; deleting any 6 consecutive bases within chr5:93,585,115-93,585,132 gives the same sequence; the position shown is the placement nearest the transcript's 3' end. VCF-style (leftmost placement, unchanged base first): chr5-93585114-CGCGGCG-C. GRCh37 (hg19) VCF-style: chr5-92920820-CGCGGCG-C.
Other names: c.104_109del (NM_005654.4).
Identifiers: ClinVar variation 2905534 (VCV002905534.4), dbSNP rs954495672, ClinGen allele CA815668887.

ClinVar aggregate classification (germline): Conflicting classifications of pathogenicity. Review status: criteria provided, conflicting classifications (1 of 4 stars). 2 submissions from 2 submitters: Uncertain significance (1); Likely benign (1). Last evaluated 2024-02-15.

Submissions (2):

GeneDx
Classification: Likely benign. Last evaluated: 2024-02-15. Review status: criteria provided, single submitter. Criteria: GeneDx Variant Classification Process June 2021. Collection method: clinical testing. Allele origin: germline. Affected: yes.
Comment: See Variant Classification Assertion Criteria.

Labcorp Genetics (formerly Invitae), Labcorp
Classification: Uncertain significance. Last evaluated: 2022-11-12. Review status: criteria provided, single submitter. Criteria: Invitae Variant Classification Sherloc (09022015). Collection method: clinical testing. Allele origin: germline.
Comment: This variant, c.104_109del, results in the deletion of 2 amino acid(s) of the NR2F1 protein (p.Gly35_Gly36del), but otherwise preserves the integrity of the reading frame. The frequency data for this variant in the population databases is considered unreliable, as metrics indicate insufficient coverage at this position in the gnomAD database. This variant has not been reported in the literature in individuals affected with NR2F1-related conditions. Experimental studies and prediction algorithms are not available or were not evaluated, and the functional significance of this variant is currently unknown. In summary, the available evidence is currently insufficient to determine the role of this variant in disease. Therefore, it has been classified as a Variant of Uncertain Significance.